The following is an entry in ClinVar:

ClinVar aggregate classification (germline): Pathogenic (1 of 4 stars; one submission).

Conditions:
Peutz-Jeghers syndrome (PJS). Also called: POLYPOSIS, HAMARTOMATOUS INTESTINAL; POLYPS-AND-SPOTS SYNDROME; Peutz-Jeghers polyposis; Periorificial lentiginosis syndrome. Identifiers: Orphanet 2869, MedGen C0031269, MeSH D010580, MONDO:0008280, OMIM 175200.

Submission:

Labcorp Genetics (formerly Invitae), Labcorp
Classification: Pathogenic for Peutz-Jeghers syndrome. Last evaluated: 2018-02-08. Review status: criteria provided, single submitter. Criteria: Invitae Variant Classification Sherloc (09022015). Collection method: clinical testing. Allele origin: unknown.
Comment: This variant has not been reported in the literature in individuals with STK11-related disease. This variant is a gross deletion of the genomic region encompassing part of exon 1 of the STK11 gene, which includes the initiator codon (c.-2498_124del). This is expected to result in an absent or disrupted protein product. Loss-of-function variants in STK11 are known to be pathogenic (PMID: 15188174, 16287113). For these reasons, this variant has been classified as Pathogenic.

Literature cited by the submitters: PubMed 15188174; PubMed 16287113.

NC_000019.9:g.(?_1204415)_(1207036_?)del

Gene: STK11 (serine/threonine kinase 11; plus strand). Cytogenetic location: 19p13.3.
Variant type: Deletion.
Identifiers: ClinVar variation 3248416 (VCV003248416.1).